The following is an entry in ClinVar:

ClinVar aggregate classification (germline): Uncertain significance (1 of 4 stars; one submission).

Submission:

GeneDx
Classification: Uncertain significance. Last evaluated: 2024-11-06. Review status: criteria provided, single submitter. Criteria: GeneDx Variant Classification Process June 2021. Collection method: clinical testing. Allele origin: germline. Affected: yes.
Comment: Not observed at significant frequency in large population cohorts (gnomAD); Has not been previously published as pathogenic or benign to our knowledge; This variant is associated with the following publications: (PMID: 24636144)

NM_001267550.2(TTN):c.95265G>C (p.Trp31755Cys)

Genes: TTN (titin; minus strand), TTN-AS1 (TTN antisense RNA 1; plus strand). Cytogenetic location: 2q31.2.
Variant type: single nucleotide variant.
Coding change: c.95265G>C on transcript NM_001267550.2 (MANE Select); coding-DNA position 95265, G replaced by C.
Protein change: p.Trp31755Cys; replaces tryptophan 31755 with cysteine.
Molecular consequence: missense variant.
Genome position (GRCh38, 1-based): chr2:178,545,971, C>G on the plus strand (G>C on the coding strand, the complement: TTN is on the minus strand). VCF-style: chr2-178545971-C-G. GRCh37 (hg19) VCF-style: chr2-179410698-C-G.
Other names: c.90342G>C, p.Trp30114Cys (NM_001256850.1); c.68070G>C, p.Trp22690Cys (NM_003319.4); c.87561G>C, p.Trp29187Cys (NM_133378.4); c.68445G>C, p.Trp22815Cys (NM_133432.3); c.68646G>C, p.Trp22882Cys (NM_133437.4); short protein forms W22690C, W22815C, W22882C, W29187C, W30114C, W31755C.
Identifiers: ClinVar variation 3899105 (VCV003899105.1).